The following is an entry in ClinVar:

ClinVar aggregate classification (germline): Uncertain significance (1 of 4 stars; one submission).

Allele frequency attached by ClinVar (database versions not stated): gnomAD 0.00001; gnomAD exomes 0.00002.
gnomAD v4.1: 33 of 1,614,082 alleles (0.002%); highest among the groups gnomAD compares: Non-Finnish European, 0.0026%; no homozygotes.

Submission:

Labcorp Genetics (formerly Invitae), Labcorp
Classification: Uncertain significance. Last evaluated: 2022-11-15. Review status: criteria provided, single submitter. Criteria: Invitae Variant Classification Sherloc (09022015). Collection method: clinical testing. Allele origin: germline.
Comment: In summary, the available evidence is currently insufficient to determine the role of this variant in disease. Therefore, it has been classified as a Variant of Uncertain Significance. Advanced modeling of protein sequence and biophysical properties (such as structural, functional, and spatial information, amino acid conservation, physicochemical variation, residue mobility, and thermodynamic stability) performed at Invitae indicates that this missense variant is not expected to disrupt LZTS1 protein function. This variant has not been reported in the literature in individuals affected with LZTS1-related conditions. This variant is present in population databases (no rsID available, gnomAD 0.003%). This sequence change replaces glutamine, which is neutral and polar, with histidine, which is basic and polar, at codon 22 of the LZTS1 protein (p.Gln22His).

NM_021020.5(LZTS1):c.66G>T (p.Gln22His)

Gene: LZTS1 (leucine zipper tumor suppressor 1; minus strand). Cytogenetic location: 8p21.3.
Variant type: single nucleotide variant.
Coding change: c.66G>T on transcript NM_021020.5 (MANE Select); coding-DNA position 66, G replaced by T.
Protein change: p.Gln22His; replaces glutamine 22 with histidine.
Molecular consequence: missense variant.
Genome position (GRCh38, 1-based): chr8:20,255,116, C>A on the plus strand (G>T on the coding strand, the complement: LZTS1 is on the minus strand). VCF-style: chr8-20255116-C-A. GRCh37 (hg19) VCF-style: chr8-20112627-C-A.
Other names: c.66G>T, p.Gln22His (NM_001362884.2); short protein forms Q22H.
Identifiers: ClinVar variation 1981026 (VCV001981026.4), dbSNP rs1276449428, ClinGen allele CA370479078.